The following is an entry in ClinVar:

ClinVar aggregate classification (germline): Uncertain significance (1 of 4 stars; one submission).

gnomAD v4.1: 1 of 1,614,172 alleles (0.000062%); no homozygotes.

Submission:

CeGaT Center for Human Genetics Tuebingen
Classification: Uncertain significance. Last evaluated: 2023-07-01. Review status: criteria provided, single submitter. Criteria: CeGaT Center For Human Genetics Tuebingen Variant Classification Criteria Version 2. Collection method: clinical testing. Allele origin: germline. Affected: yes. Observed: 1 variant allele.
Comment: FAT2: PM2, BP4

NM_001447.3(FAT2):c.4633G>T (p.Val1545Leu)

Genes: FAT2 (FAT atypical cadherin 2; minus strand), SLC36A1 (solute carrier family 36 member 1; plus strand). Cytogenetic location: 5q33.1.
Variant type: single nucleotide variant.
Coding change: c.4633G>T on transcript NM_001447.3 (MANE Select); coding-DNA position 4633, G replaced by T.
Protein change: p.Val1545Leu; replaces valine 1545 with leucine.
Molecular consequence: missense variant.
Genome position (GRCh38, 1-based): chr5:151,549,451, C>A on the plus strand (G>T on the coding strand, the complement: FAT2 is on the minus strand). VCF-style: chr5-151549451-C-A. GRCh37 (hg19) VCF-style: chr5-150929012-C-A.
Other names: short protein forms V1545L.
Identifiers: ClinVar variation 2655961 (VCV002655961.24), dbSNP rs2479881585, ClinGen allele CA361845725.